The following is an entry in ClinVar:

ClinVar aggregate classification (germline): Conflicting classifications of pathogenicity. Review status: criteria provided, conflicting classifications (1 of 4 stars). 4 submissions from 4 submitters: Likely pathogenic (1); Uncertain significance (2). 1 of the submissions does not count toward it. Last evaluated 2023-08-24.

Conditions:
Platelet-type bleeding disorder 15 (BDPLT15). Also called: MACROTHROMBOCYTOPENIA, AUTOSOMAL DOMINANT, ACTN1-RELATED. Identifiers: Orphanet 140957, MedGen C3554663, MONDO:0014078, OMIM 615193.
ACTN1-related disorder. Also called: ACTN1-related condition.
Macrothrombocytopenia. Identifiers: MedGen C2751260, HP:0040185.

gnomAD v4.1: 1 of 1,614,108 alleles (0.000062%); highest among the groups gnomAD compares: Non-Finnish European, 0.000085%; no homozygotes.

Submissions (4):

Blueprint Genetics
Classification: Likely pathogenic for ACTN1-related disorders. Last evaluated: 2023-08-24. Review status: criteria provided, single submitter. Criteria: ACMG Guidelines, 2015. Collection method: clinical testing. Allele origin: germline. Affected: yes. Observed: 1 variant allele.

PreventionGenetics, part of Exact Sciences
Classification: Uncertain significance for ACTN1-related condition. Last evaluated: 2023-02-06. Review status: criteria provided, single submitter. Criteria: ACMG Guidelines, 2015. Collection method: clinical testing. Allele origin: germline.
Comment: The ACTN1 c.1294G>A variant is predicted to result in the amino acid substitution p.Ala432Thr. This variant has been reported in the heterozygous state in an individual in a cohort study of patients with bleeding disorders (Downes et al. 2019. PubMed ID: 31064749. Suppl3_SNV+INDEL). A different missense variant in the same codon (c.1295C>T,p.Ala432Val) has been reported in an individual with thrombocytopenia (Vincenot et al. 2019. PubMed ID: 31237726) suggesting that substitution of amino acid residue p.Ala432 is not tolerated. This variant has not been reported in a large population database, indicating this variant is rare. Although we suspect that this variant may be pathogenic, at this time, the clinical significance of this variant is uncertain due to the absence of conclusive functional and genetic evidence.

NIHR Bioresource Rare Diseases, University of Cambridge
Classification: Uncertain significance for Macrothrombocytopenia. Last evaluated: 2019-02-01. Review status: criteria provided, single submitter. Criteria: ACMG Guidelines, 2015. Collection method: research. Allele origin: unknown. Affected: yes. Observed: 1 heterozygote. Study: ThromboGenomics.

ISTH-SSC Genomics in Thrombosis and Hemostasis, KU Leuven, Center for Molecular and Vascular Biology
Classification: Uncertain significance for Platelet-type bleeding disorder 15. Review status: no assertion criteria provided. Collection method: research. Allele origin: unknown. Affected: yes. Not counted in ClinVar's aggregate classification.
Comment: Submitted to GoldVariant by Neil Morgan from Birmingham Platelet Group, Birmingham, UK

Literature cited by the submitters: PubMed 31064749 (cited by NIHR Bioresource Rare Diseases, University of Cambridge).

NM_001130004.2(ACTN1):c.1294G>A (p.Ala432Thr)

Gene: ACTN1 (actinin alpha 1; minus strand). Cytogenetic location: 14q24.1.
Variant type: single nucleotide variant.
Coding change: c.1294G>A on transcript NM_001130004.2 (MANE Select); coding-DNA position 1294, G replaced by A.
Protein change: p.Ala432Thr; replaces alanine 432 with threonine.
Molecular consequence: missense variant.
Genome position (GRCh38, 1-based): chr14:68,885,516, C>T on the plus strand (G>A on the coding strand, the complement: ACTN1 is on the minus strand). VCF-style: chr14-68885516-C-T. GRCh37 (hg19) VCF-style: chr14-69352233-C-T.
Other names: c.1294G>A, p.Ala432Thr (NM_001102.4, NM_001130005.2); c.1294G>A (NM_001130004.1); short protein forms A432T.
Identifiers: ClinVar variation 627221 (VCV000627221.5), dbSNP rs1454176065, ClinGen allele CA390185854.